The following is an entry in ClinVar:

NM_001323289.2(CDKL5):c.2593_2616delinsG (p.Gln865fs)

Gene: CDKL5 (cyclin dependent kinase like 5; plus strand). Cytogenetic location: Xp22.13.
Variant type: Indel.
Coding change: c.2593_2616delinsG on transcript NM_001323289.2 (MANE Select); coding-DNA positions 2593 to 2616, CAACAAACCAAAAATTCCTTCTCA replaced by G.
Protein change: p.Gln865fs; shifts the reading frame from glutamine 865.
Molecular consequence: frameshift variant.
Genome position (GRCh38, 1-based): chrX:18,628,467-18,628,490, CAACAAACCAAAAATTCCTTCTCA replaced by G. VCF-style: chrX-18628467-CAACAAACCAAAAATTCCTTCTCA-G. GRCh37 (hg19) VCF-style: chrX-18646587-CAACAAACCAAAAATTCCTTCTCA-G.
Other names: c.2593_2616delinsG, p.Gln865fs (NM_001037343.2, NM_003159.3); c.2593_2616del24insG (NM_003159.2); short protein forms Q865fs.
Identifiers: ClinVar variation 451340 (VCV000451340.2), dbSNP rs1555955237, ClinGen allele CA658658933.
Genomic context (GRCh38, chrX:18,628,467, plus strand): 5'-CTCTCTTCGGCCTCAAATCACCCGGCTTCCTCAGATCCCCGCTTCCAGCCCTTAACAGCT[CAACAAACCAAAAATTCCTTCTCA>G]GAAATTCGGATTCACCCCCTGAGCCAGGCCTCTGGCGGGAGCAGCAACATCCGGCAGGAA-3'

ClinVar aggregate classification (germline): Pathogenic (1 of 4 stars; one submission).

Submission:

GeneDx
Classification: Pathogenic. Last evaluated: 2017-08-23. Review status: criteria provided, single submitter. Criteria: GeneDx Variant Classification (06012015). Collection method: clinical testing. Allele origin: germline. Affected: yes.
Comment: The c.2593_2616del24insG pathogenic variant in the CDKL5 gene causes a frameshift starting with codon Glutamine 865, changes this amino acid to a Glycine residue and creates a premature Stop codon at position 37 of the new reading frame, denoted p.Gln865GlyfsX37. This pathogenic variant is predicted to cause loss of normal protein function either through protein truncation or nonsense-mediated mRNA decay. Furthermore, the c.2593_2616del24insG variant is not observed in large population cohorts (Lek et al., 2016; 1000 Genomes Consortium et al., 2015; Exome Variant Server).